The following is an entry in ClinVar:

NM_000179.3(MSH6):c.3644_3646+5del

Gene: MSH6 (mutS homolog 6; plus strand). Cytogenetic location: 2p16.3.
Variant type: Deletion.
Coding change: c.3644_3646+5del on transcript NM_000179.3 (MANE Select); coding-DNA position 3644 through 5 bases into the intron after coding-DNA position 3646, 8 bases deleted (TAGGTAAG; older notation c.3644_3646+5delTAGGTAAG).
Molecular consequence: splice donor variant.
Genome position (GRCh38, 1-based): chr2:47,805,705-47,805,712, TAGGTAAG deleted. VCF-style (leftmost placement, unchanged base first): chr2-47805704-TTAGGTAAG-T. GRCh37 (hg19) VCF-style: chr2-48032843-TTAGGTAAG-T.
Other names: c.3644_3646+5del (NM_001406809.1, NM_001406796.1, NM_001406808.1 and 1 more transcripts); c.2738_2740+5del (NM_001406811.1, NM_001406814.1, NM_001281493.2 and 6 more transcripts); c.3347_3349+5del (NM_001406805.1, NM_001406797.1, NM_001406801.1 and 10 more transcripts); c.3740_3742+5del (NM_001406795.1, NM_001406802.1); c.3650_3652+5del (NM_001406813.1); c.3119_3121+5del (NM_001406807.1, NM_001406799.1, NM_001406806.1); c.3470_3472+5del (NM_001406798.1); c.2780_2782+5del (NM_001406803.1); and 7 more.
Identifiers: ClinVar variation 2673579 (VCV002673579.1), dbSNP rs2530825916, ClinGen allele CA2695200587.

ClinVar aggregate classification (germline): Likely pathogenic (1 of 4 stars; one submission).

Conditions:
Lynch syndrome 5 (LYNCH5). Also called: Colorectal cancer, hereditary nonpolyposis, type 5; Hereditary non-polyposis colorectal cancer, type 5. Identifiers: Orphanet 144, MedGen C1833477, MONDO:0013710, OMIM 614350. Disease mechanism: loss of function.

Submission:

Myriad Genetics, Inc.
Classification: Likely pathogenic for Lynch syndrome 5. Last evaluated: 2023-08-24. Review status: criteria provided, single submitter. Criteria: Myriad Autosomal Dominant, Autosomal Recessive and X-Linked Classification Criteria (2023). Collection method: clinical testing. Allele origin: unknown.
Comment: This variant is considered likely pathogenic. This variant occurs within a consensus splice junction and is predicted to result in abnormal mRNA splicing of either an out-of-frame exon or an in-frame exon necessary for protein stability and/or normal function.